The following is an entry in ClinVar:

NM_033118.4(MYLK2):c.946A>T (p.Ile316Phe)

Gene: MYLK2 (myosin light chain kinase 2; plus strand). Cytogenetic location: 20q11.21.
Variant type: single nucleotide variant.
Coding change: c.946A>T on transcript NM_033118.4 (MANE Select); coding-DNA position 946, A replaced by T.
Protein change: p.Ile316Phe; replaces isoleucine 316 with phenylalanine.
Molecular consequence: missense variant.
Genome position (GRCh38, 1-based): chr20:31,824,326, A>T. VCF-style: chr20-31824326-A-T. GRCh37 (hg19) VCF-style: chr20-30412129-A-T.
Other names: short protein forms I316F.
Identifiers: ClinVar variation 1767053 (VCV001767053.2), dbSNP rs1300645321, ClinGen allele CA408526736.
Genomic context (GRCh38, chr20:31,824,326, plus strand): 5'-TTTGGGGCAGTCTGTACCTGCATGGAGAAAGCCACAGGCCTCAAGCTGGCAGCCAAGGTC[A>T]TCAAGAAACAGACTCCCAAAGACAAGGTAGTGAGGTTGCGGGGGTGGTGGCTGCCCAGGA-3'
Protein context (NP_149109.1, residues 306-326): ATGLKLAAKV[Ile316Phe]KKQTPKDKEM

ClinVar aggregate classification (germline): Uncertain significance (1 of 4 stars; one submission).

Submission:

Ambry Genetics
Classification: Uncertain significance. Last evaluated: 2022-01-02. Review status: criteria provided, single submitter. Criteria: Ambry Variant Classification Scheme 2023. Collection method: clinical testing. Allele origin: germline.
Comment: The p.I316F variant (also known as c.946A>T), located in coding exon 5 of the MYLK2 gene, results from an A to T substitution at nucleotide position 946. The isoleucine at codon 316 is replaced by phenylalanine, an amino acid with highly similar properties. This amino acid position is conserved. In addition, this alteration is predicted to be tolerated by in silico analysis. Since supporting evidence is limited at this time, the clinical significance of this alteration remains unclear.